The following is an entry in ClinVar:

ClinVar aggregate classification (germline): Conflicting classifications of pathogenicity. Review status: criteria provided, conflicting classifications (1 of 4 stars). 4 submissions from 4 submitters: Uncertain significance (1); Likely benign (1). 2 of the submissions do not count toward it. Last evaluated 2025-03-04.

Conditions:
ACAD9-related disorder. Also called: ACAD9-related condition.
Acyl-CoA dehydrogenase 9 deficiency. Also called: Acyl-CoA dehydrogenase family, member 9, deficiency of; MITOCHONDRIAL COMPLEX I DEFICIENCY, NUCLEAR TYPE 20. Identifiers: Orphanet 99901, MedGen C4747517, MONDO:0012624, OMIM 611126.

Allele frequency attached by ClinVar (database versions not stated): gnomAD 0.00001; ExAC 0.00002; gnomAD exomes 0.00002 and 0.00005; TOPMed 0.00004.
gnomAD v4.1: 36 of 1,614,034 alleles (0.0022%); highest among the groups gnomAD compares: South Asian, 0.023%; no homozygotes.

Submissions (4):

Labcorp Genetics (formerly Invitae), Labcorp
Classification: Likely benign. Last evaluated: 2025-03-04. Review status: criteria provided, single submitter. Criteria: Invitae Variant Classification Sherloc (09022015). Collection method: clinical testing. Allele origin: germline.

Illumina Laboratory Services, Illumina
Classification: Uncertain significance for Acyl-CoA dehydrogenase 9 deficiency. Last evaluated: 2018-01-13. Review status: criteria provided, single submitter. Criteria: ICSL Variant Classification Criteria 13 December 2019. Collection method: clinical testing. Allele origin: germline.

Natera, Inc.
Classification: Likely benign for ACAD9 deficiency. Last evaluated: 2020-07-11. Review status: no assertion criteria provided. Collection method: clinical testing. Allele origin: germline. Not counted in ClinVar's aggregate classification.

PreventionGenetics, part of Exact Sciences
Classification: Likely benign for ACAD9-related condition. Last evaluated: 2020-03-23. Review status: no assertion criteria provided. Collection method: clinical testing. Allele origin: germline. Not counted in ClinVar's aggregate classification.
Comment: This variant is classified as likely benign based on ACMG/AMP sequence variant interpretation guidelines (Richards et al. 2015 PMID: 25741868, with internal and published modifications).

NM_014049.5(ACAD9):c.1398C>T (p.Thr466=)

Gene: ACAD9 (acyl-CoA dehydrogenase family member 9; plus strand). Cytogenetic location: 3q21.3.
Variant type: single nucleotide variant.
Coding change: c.1398C>T on transcript NM_014049.5 (MANE Select); coding-DNA position 1398, C replaced by T.
Protein change: p.Thr466=; no amino-acid change (threonine 466 retained).
Molecular consequence: synonymous variant. On other transcripts: non-coding transcript variant (1).
Genome position (GRCh38, 1-based): chr3:128,909,012, C>T. VCF-style: chr3-128909012-C-T. GRCh37 (hg19) VCF-style: chr3-128627855-C-T.
Identifiers: ClinVar variation 343200 (VCV000343200.21), dbSNP rs772732061, ClinGen allele CA2601534.